The following is an entry in ClinVar:

NM_017654.4(SAMD9):c.4598G>A (p.Arg1533Gln)

Gene: SAMD9 (sterile alpha motif domain containing 9; minus strand). Cytogenetic location: 7q21.2.
Variant type: single nucleotide variant.
Coding change: c.4598G>A on transcript NM_017654.4 (MANE Select); coding-DNA position 4598, G replaced by A.
Protein change: p.Arg1533Gln; replaces arginine 1533 with glutamine.
Molecular consequence: missense variant.
Genome position (GRCh38, 1-based): chr7:93,101,500, C>T on the plus strand (G>A on the coding strand, the complement: SAMD9 is on the minus strand). VCF-style: chr7-93101500-C-T. GRCh37 (hg19) VCF-style: chr7-92730813-C-T.
Other names: c.4598G>A, p.Arg1533Gln (NM_001193307.2); short protein forms R1533Q.
Identifiers: ClinVar variation 2577818 (VCV002577818.5), dbSNP rs2535352835, ClinGen allele CA368177286.
Genomic context (GRCh38, chr7:93,101,500, plus strand): 5'-ATGGGTATTGTGATTTTTTCATTGATTCCATATTCTATATATAAACAATTGTTTTCAGCT[C>T]GACCTTGTAAACGAAGCAAAAGTTCTTGGACTTTTTCCTCCTTCCACACATCTCCACTCT-3'
Protein context (NP_060124.2, residues 1523-1543): VQELLLRLQG[Arg1533Gln]AENNCLYIEY

ClinVar aggregate classification (germline): Conflicting classifications of pathogenicity. Review status: criteria provided, conflicting classifications (1 of 4 stars). 5 submissions from 5 submitters: Likely pathogenic (4); Uncertain significance (1). Last evaluated 2026-02-13.

Conditions:
SAMD9-related disorder. Also called: SAMD9-related condition.
MIRAGE syndrome. Also called: MYELODYSPLASIA, INFECTION, RESTRICTION OF GROWTH, ADRENAL HYPOPLASIA, GENITAL PHENOTYPES, AND ENTEROPATHY. Identifiers: Orphanet 494433, MedGen C4284088, MONDO:0014888, OMIM 617053.

Submissions (5):

GeneDx
Classification: Likely pathogenic. Last evaluated: 2026-02-13. Review status: criteria provided, single submitter. Criteria: GeneDx Variant Classification Process June 2021. Collection method: clinical testing. Allele origin: germline.
Comment: Not observed at significant frequency in large population cohorts (gnomAD); In silico analysis suggests that this missense variant does not alter protein structure/function; This variant is associated with the following publications: (PMID: 28545555, Li2022[Case Report], 37586839, 39052144)

Genesolutions, Medical Genetics Institutes, Ho Chi Minh City, Vietnam
Classification: Likely pathogenic for MIRAGE syndrome. Last evaluated: 2025-09-24. Review status: criteria provided, single submitter. Criteria: ACMG Guidelines, 2015. Collection method: clinical testing. Allele origin: germline. Affected: yes.

Labcorp Genetics (formerly Invitae), Labcorp
Classification: Uncertain significance. Last evaluated: 2025-04-21. Review status: criteria provided, single submitter. Criteria: Invitae Variant Classification Sherloc (09022015). Collection method: clinical testing. Allele origin: germline.
Comment: This sequence change replaces arginine, which is basic and polar, with glutamine, which is neutral and polar, at codon 1533 of the SAMD9 protein (p.Arg1533Gln). This variant is not present in population databases (gnomAD no frequency). This missense change has been observed in individual(s) with MIRAGE syndrome (PMID: 37586839). ClinVar contains an entry for this variant (Variation ID: 2577818). Invitae Evidence Modeling of protein sequence and biophysical properties (such as structural, functional, and spatial information, amino acid conservation, physicochemical variation, residue mobility, and thermodynamic stability) indicates that this missense variant is not expected to disrupt SAMD9 protein function with a negative predictive value of 95%. In summary, the available evidence is currently insufficient to determine the role of this variant in disease. Therefore, it has been classified as a Variant of Uncertain Significance.

Institute of Medical Genetics and Applied Genomics, University Hospital Tübingen
Classification: Likely pathogenic for MIRAGE syndrome. Last evaluated: 2025-03-25. Review status: criteria provided, single submitter. Criteria: ACMG Guidelines, 2015. Collection method: clinical testing. Allele origin: de novo. Inheritance: Autosomal dominant inheritance. Affected: yes.

Blueprint Genetics
Classification: Likely pathogenic for SAMD9-related disorders. Last evaluated: 2023-05-16. Review status: criteria provided, single submitter. Criteria: ACMG Guidelines, 2015. Collection method: clinical testing. Allele origin: germline. Affected: yes. Observed: 2 variant alleles.

Literature cited by the submitters: PubMed 37586839 (cited by Labcorp Genetics (formerly Invitae), Labcorp).